The following is an entry in ClinVar:

NM_013275.6(ANKRD11):c.1524G>A (p.Val508=)

Gene: ANKRD11 (ankyrin repeat domain containing 11; minus strand). Cytogenetic location: 16q24.3.
Variant type: single nucleotide variant.
Coding change: c.1524G>A on transcript NM_013275.6 (MANE Select); coding-DNA position 1524, G replaced by A.
Protein change: p.Val508=; no amino-acid change (valine 508 retained).
Molecular consequence: synonymous variant.
Genome position (GRCh38, 1-based): chr16:89,285,018, C>T on the plus strand (G>A on the coding strand, the complement: ANKRD11 is on the minus strand). VCF-style: chr16-89285018-C-T. GRCh37 (hg19) VCF-style: chr16-89351426-C-T.
Other names: c.1524G>A, p.Val508= (NM_001256182.2, NM_001256183.2).
Identifiers: ClinVar variation 3372997 (VCV003372997.1).

ClinVar aggregate classification (germline): Uncertain significance (1 of 4 stars; one submission).

gnomAD v4.1: 9 of 1,613,902 alleles (0.00056%); highest among the groups gnomAD compares: African/African-American, 0.0013%; no homozygotes.

Submission:

GeneDx
Classification: Uncertain significance. Last evaluated: 2024-04-28. Review status: criteria provided, single submitter. Criteria: GeneDx Variant Classification Process June 2021. Collection method: clinical testing. Allele origin: germline. Affected: yes.
Comment: In silico analysis indicates that this variant does not alter splicing; Has not been previously published as pathogenic or benign to our knowledge